The following is an entry in ClinVar:

NM_019888.3(MC3R):c.691G>A (p.Ala231Thr)

Gene: MC3R (melanocortin 3 receptor; plus strand). Cytogenetic location: 20q13.2.
Variant type: single nucleotide variant.
Coding change: c.691G>A on transcript NM_019888.3 (MANE Select); coding-DNA position 691, G replaced by A.
Protein change: p.Ala231Thr; replaces alanine 231 with threonine.
Molecular consequence: missense variant.
Genome position (GRCh38, 1-based): chr20:56,249,534, G>A. VCF-style: chr20-56249534-G-A. GRCh37 (hg19) VCF-style: chr20-54824590-G-A.
Other names: short protein forms A231T.
Identifiers: ClinVar variation 4983108 (VCV004983108.1).

ClinVar aggregate classification (germline): Uncertain significance (1 of 4 stars; one submission).

Conditions:
MC3R-related disorder. Also called: MC3R-related condition.

Submission:

PreventionGenetics, part of Exact Sciences
Classification: Uncertain significance for MC3R-related condition. Last evaluated: 2026-08-25. Review status: criteria provided, single submitter. Criteria: ACMG Guidelines, 2015. Collection method: clinical testing. Allele origin: germline.
Comment: The MC3R c.691G>A variant is predicted to result in the amino acid substitution p.Ala231Thr. To our knowledge, this variant has not been reported in the literature or in a large population database (gnomAD), indicating this variant is rare. At this time, the clinical significance of this variant is uncertain due to the absence of conclusive functional and genetic evidence.